The following is an entry in ClinVar:

ClinVar aggregate classification (germline): Uncertain significance. Review status: criteria provided, multiple submitters, no conflicts (2 of 4 stars). 3 submissions from 3 submitters: Uncertain significance (3). Last evaluated 2025-11-07.

Conditions:
Charcot-Marie-Tooth disease type 4F. Also called: Charcot-Marie-Tooth disease, demyelinating, type 4F. Identifiers: Orphanet 99952, MedGen C3540453, MONDO:0013959, OMIM 614895.
Charcot-Marie-Tooth disease type 4. Also called: Charcot-Marie-Tooth, Type 4; Charcot-Marie-Tooth disease, type IV. Identifiers: Orphanet 64749, MedGen C4082197, MONDO:0018995.

Allele frequency attached by ClinVar (database versions not stated): gnomAD 0.00001; TOPMed 0.00001; ExAC 0.00004; gnomAD exomes 0.00005.
gnomAD v4.1: 35 of 1,605,376 alleles (0.0022%); highest among the groups gnomAD compares: Middle Eastern, 0.017%; no homozygotes.

Submissions (3):

GeneDx
Classification: Uncertain significance. Last evaluated: 2025-11-07. Review status: criteria provided, single submitter. Criteria: GeneDx Variant Classification Process June 2021. Collection method: clinical testing. Allele origin: germline. Affected: yes.
Comment: In silico analysis suggests that this missense variant does not alter protein structure/function; Has not been previously published as pathogenic or benign to our knowledge

Labcorp Genetics (formerly Invitae), Labcorp
Classification: Uncertain significance for Charcot-Marie-Tooth disease type 4. Last evaluated: 2021-08-24. Review status: criteria provided, single submitter. Criteria: Invitae Variant Classification Sherloc (09022015). Collection method: clinical testing. Allele origin: germline.
Comment: This sequence change replaces arginine with histidine at codon 1370 of the PRX protein (p.Arg1370His). The arginine residue is moderately conserved and there is a small physicochemical difference between arginine and histidine. This variant is present in population databases (rs756687548, ExAC 0.02%). This variant has not been reported in the literature in individuals affected with PRX-related conditions. ClinVar contains an entry for this variant (Variation ID: 329249). Algorithms developed to predict the effect of missense changes on protein structure and function are either unavailable or do not agree on the potential impact of this missense change (SIFT: "Tolerated"; PolyPhen-2: "Possibly Damaging"; Align-GVGD: "Class C0"). In summary, the available evidence is currently insufficient to determine the role of this variant in disease. Therefore, it has been classified as a Variant of Uncertain Significance.

Illumina Laboratory Services, Illumina
Classification: Uncertain significance for Charcot-Marie-Tooth disease type 4F. Last evaluated: 2018-01-13. Review status: criteria provided, single submitter. Criteria: ICSL Variant Classification Criteria 13 December 2019. Collection method: clinical testing. Allele origin: germline.

NM_181882.3(PRX):c.4109G>A (p.Arg1370His)

Gene: PRX (periaxin; minus strand). Cytogenetic location: 19q13.2.
Variant type: single nucleotide variant.
Coding change: c.4109G>A on transcript NM_181882.3 (MANE Select); coding-DNA position 4109, G replaced by A.
Protein change: p.Arg1370His; replaces arginine 1370 with histidine.
Molecular consequence: missense variant. On other transcripts: 3 prime UTR variant (1).
Genome position (GRCh38, 1-based): chr19:40,394,243, C>T on the plus strand (G>A on the coding strand, the complement: PRX is on the minus strand). VCF-style: chr19-40394243-C-T. GRCh37 (hg19) VCF-style: chr19-40900150-C-T.
Other names: c.*4314G>A (NM_020956.2); short protein forms R1370H.
Identifiers: ClinVar variation 329249 (VCV000329249.13), dbSNP rs756687548, ClinGen allele CA9443697.